The following is an entry in ClinVar:

NM_003647.3(DGKE):c.457G>A (p.Asp153Asn)

Gene: DGKE (diacylglycerol kinase epsilon; plus strand). Cytogenetic location: 17q22.
Variant type: single nucleotide variant.
Coding change: c.457G>A on transcript NM_003647.3 (MANE Select); coding-DNA position 457, G replaced by A.
Protein change: p.Asp153Asn; replaces aspartic acid 153 with asparagine.
Molecular consequence: missense variant.
Genome position (GRCh38, 1-based): chr17:56,835,252, G>A. VCF-style: chr17-56835252-G-A. GRCh37 (hg19) VCF-style: chr17-54912613-G-A.
Other names: short protein forms D153N.
Identifiers: ClinVar variation 2131980 (VCV002131980.4), dbSNP rs777022657, ClinGen allele CA8663496.

ClinVar aggregate classification (germline): Uncertain significance (1 of 4 stars; one submission).

Allele frequency attached by ClinVar (database versions not stated): TOPMed below 0.00001; ExAC 0.00001; gnomAD 0.00001; gnomAD exomes 0.00001.

Submission:

Labcorp Genetics (formerly Invitae), Labcorp
Classification: Uncertain significance. Last evaluated: 2022-07-11. Review status: criteria provided, single submitter. Criteria: Invitae Variant Classification Sherloc (09022015). Collection method: clinical testing. Allele origin: germline.
Comment: This sequence change replaces aspartic acid, which is acidic and polar, with asparagine, which is neutral and polar, at codon 153 of the DGKE protein (p.Asp153Asn). In summary, the available evidence is currently insufficient to determine the role of this variant in disease. Therefore, it has been classified as a Variant of Uncertain Significance. Algorithms developed to predict the effect of missense changes on protein structure and function are either unavailable or do not agree on the potential impact of this missense change (SIFT: "Tolerated"; PolyPhen-2: "Probably Damaging"; Align-GVGD: "Class C0"). This variant has not been reported in the literature in individuals affected with DGKE-related conditions. The frequency data for this variant in the population databases is considered unreliable, as metrics indicate poor data quality at this position in the gnomAD database.